The following is an entry in ClinVar:

NM_015047.3(EMC1):c.2129T>C (p.Val710Ala)

Genes: EMC1 (ER membrane protein complex subunit 1; minus strand), EMC1-AS1 (EMC1 antisense RNA 1; plus strand). Cytogenetic location: 1p36.13.
Variant type: single nucleotide variant.
Coding change: c.2129T>C on transcript NM_015047.3 (MANE Select); coding-DNA position 2129, T replaced by C.
Protein change: p.Val710Ala; replaces valine 710 with alanine.
Molecular consequence: missense variant.
Genome position (GRCh38, 1-based): chr1:19,227,386, A>G on the plus strand (T>C on the coding strand, the complement: EMC1 is on the minus strand). VCF-style: chr1-19227386-A-G. GRCh37 (hg19) VCF-style: chr1-19553880-A-G.
Other names: c.2126T>C, p.Val709Ala (NM_001271427.2, NM_001271428.2); c.2063T>C, p.Val688Ala (NM_001271429.2); c.2138T>C, p.Val713Ala (NM_001375820.1); c.2135T>C, p.Val712Ala (NM_001375821.1); short protein forms V712A, V713A, V710A, V688A, V709A.
Identifiers: ClinVar variation 2094146 (VCV002094146.4), dbSNP rs2536697264, ClinGen allele CA338756869.
Genomic context (GRCh38, chr1:19,227,386, plus strand): 5'-CTGCGGTCCCCCATCACACGGCCCTGGGAATGAACGTGCTCACTGCTGCGTTTCCCCTTC[A>G]CCTTGACGATCCGCTGTACTTCTGGGGGAATGGTCAGCTCCCAACTCAGCTCAGTGGTGA-3'
Protein context (NP_055862.1, residues 700-720): IPPEVQRIVK[Val710Ala]KGKRSSEHVH

ClinVar aggregate classification (germline): Uncertain significance (1 of 4 stars; one submission).

Submission:

Labcorp Genetics (formerly Invitae), Labcorp
Classification: Uncertain significance. Last evaluated: 2022-02-06. Review status: criteria provided, single submitter. Criteria: Invitae Variant Classification Sherloc (09022015). Collection method: clinical testing. Allele origin: germline.
Comment: In summary, the available evidence is currently insufficient to determine the role of this variant in disease. Therefore, it has been classified as a Variant of Uncertain Significance. Algorithms developed to predict the effect of missense changes on protein structure and function (SIFT, PolyPhen-2, Align-GVGD) all suggest that this variant is likely to be tolerated. This variant has not been reported in the literature in individuals affected with EMC1-related conditions. This variant is not present in population databases (gnomAD no frequency). This sequence change replaces valine, which is neutral and non-polar, with alanine, which is neutral and non-polar, at codon 710 of the EMC1 protein (p.Val710Ala).